The following is an entry in ClinVar:

ClinVar aggregate classification (germline): Uncertain significance (1 of 4 stars; one submission).

Conditions:
Neuroblastoma, susceptibility to, 3. Also called: ALK-Related Neuroblastic Tumor Susceptibility. Identifiers: Orphanet 635, MedGen C2751681, MONDO:0013083, OMIM 613014.

Allele frequency attached by ClinVar (database versions not stated): TOPMed below 0.00001.

Submission:

Labcorp Genetics (formerly Invitae), Labcorp
Classification: Uncertain significance for Neuroblastoma, susceptibility to, 3. Last evaluated: 2024-06-24. Review status: criteria provided, single submitter. Criteria: Invitae Variant Classification Sherloc (09022015). Collection method: clinical testing. Allele origin: germline.
Comment: This sequence change replaces glycine, which is neutral and non-polar, with aspartic acid, which is acidic and polar, at codon 432 of the ALK protein (p.Gly432Asp). This variant is not present in population databases (gnomAD no frequency). This variant has not been reported in the literature in individuals affected with ALK-related conditions. ClinVar contains an entry for this variant (Variation ID: 1987673). An algorithm developed to predict the effect of missense changes on protein structure and function (PolyPhen-2) suggests that this variant is likely to be tolerated. In summary, the available evidence is currently insufficient to determine the role of this variant in disease. Therefore, it has been classified as a Variant of Uncertain Significance.

NM_004304.5(ALK):c.1295G>A (p.Gly432Asp)

Gene: ALK (ALK receptor tyrosine kinase; minus strand). Cytogenetic location: 2p23.2.
Variant type: single nucleotide variant.
Coding change: c.1295G>A on transcript NM_004304.5 (MANE Select); coding-DNA position 1295, G replaced by A.
Protein change: p.Gly432Asp; replaces glycine 432 with aspartic acid.
Molecular consequence: missense variant.
Genome position (GRCh38, 1-based): chr2:29,328,469, C>T on the plus strand (G>A on the coding strand, the complement: ALK is on the minus strand). VCF-style: chr2-29328469-C-T. GRCh37 (hg19) VCF-style: chr2-29551335-C-T.
Other names: short protein forms G432D.
Identifiers: ClinVar variation 1987673 (VCV001987673.4), dbSNP rs1667341157, ClinGen allele CA346474572.